The following is an entry in ClinVar:

NM_000393.5(COL5A2):c.1966G>A (p.Val656Met)

Gene: COL5A2 (collagen type V alpha 2 chain; minus strand). Cytogenetic location: 2q32.2.
Variant type: single nucleotide variant.
Coding change: c.1966G>A on transcript NM_000393.5 (MANE Select); coding-DNA position 1966, G replaced by A.
Protein change: p.Val656Met; replaces valine 656 with methionine.
Molecular consequence: missense variant.
Genome position (GRCh38, 1-based): chr2:189,062,876, C>T on the plus strand (G>A on the coding strand, the complement: COL5A2 is on the minus strand). VCF-style: chr2-189062876-C-T. GRCh37 (hg19) VCF-style: chr2-189927602-C-T.
Other names: short protein forms V656M.
Identifiers: ClinVar variation 3711996 (VCV003711996.2).

ClinVar aggregate classification (germline): Uncertain significance (1 of 4 stars; one submission).

Conditions:
Ehlers-Danlos syndrome, classic type, 1 (EDSCL1). Also called: EHLERS-DANLOS SYNDROME, GRAVIS TYPE; EHLERS-DANLOS SYNDROME, SEVERE CLASSIC TYPE; Ehlers-Danlos syndrome, type 1; Ehlers-Danlos Syndrome, Classic Type, COL5A1-Related; EDS I. Identifiers: MedGen C0268335, MONDO:0019567, OMIM 130000.

gnomAD v4.1: 2 of 1,614,034 alleles (0.00012%); highest among the groups gnomAD compares: Non-Finnish European, 0.000085%; no homozygotes.

Submission:

Labcorp Genetics (formerly Invitae), Labcorp
Classification: Uncertain significance for Ehlers-Danlos syndrome, classic type, 1. Last evaluated: 2024-10-17. Review status: criteria provided, single submitter. Criteria: Invitae Variant Classification Sherloc (09022015). Collection method: clinical testing. Allele origin: germline.
Comment: This sequence change replaces valine, which is neutral and non-polar, with methionine, which is neutral and non-polar, at codon 656 of the COL5A2 protein (p.Val656Met). This variant is present in population databases (no rsID available, gnomAD 0.01%). This variant has not been reported in the literature in individuals affected with COL5A2-related conditions. Invitae Evidence Modeling of protein sequence and biophysical properties (such as structural, functional, and spatial information, amino acid conservation, physicochemical variation, residue mobility, and thermodynamic stability) indicates that this missense variant is not expected to disrupt COL5A2 protein function with a negative predictive value of 80%. In summary, the available evidence is currently insufficient to determine the role of this variant in disease. Therefore, it has been classified as a Variant of Uncertain Significance.